The following is an entry in ClinVar:

NM_000051.4(ATM):c.7740A>C (p.Arg2580Ser)

Genes: ATM (ATM serine/threonine kinase; plus strand), C11orf65 (chromosome 11 open reading frame 65; minus strand). Cytogenetic location: 11q22.3.
Variant type: single nucleotide variant.
Coding change: c.7740A>C on transcript NM_000051.4 (MANE Select); coding-DNA position 7740, A replaced by C.
Protein change: p.Arg2580Ser; replaces arginine 2580 with serine.
Molecular consequence: missense variant. On other transcripts: intron variant (2).
Genome position (GRCh38, 1-based): chr11:108,331,989, A>C. VCF-style: chr11-108331989-A-C. GRCh37 (hg19) VCF-style: chr11-108202716-A-C.
Other names: p.R2580S:AGA>AGC; c.7740A>C, p.Arg2580Ser (NM_001351834.2); c.641-22918T>G (NM_001330368.2); c.*38+3231T>G (NM_001351110.2); short protein forms R2580S.
Identifiers: ClinVar variation 127448 (VCV000127448.46), dbSNP rs199915459, ClinGen allele CA286994.

ClinVar aggregate classification (germline): Conflicting classifications of pathogenicity. Review status: criteria provided, conflicting classifications (1 of 4 stars). 16 submissions from 16 submitters: Uncertain significance (8); Benign (2); Likely benign (4). 2 of the submissions do not count toward it. Last evaluated 2026-02-03.

Conditions:
ATM-related disorder. Also called: ATM-related disorders; ATM-related condition.
Hereditary cancer-predisposing syndrome. Also called: Neoplastic Syndromes, Hereditary; Hereditary Cancer Syndrome; Tumor predisposition; Hereditary neoplastic syndrome. Identifiers: Orphanet 140162, MedGen C0027672, MeSH D009386, MONDO:0015356.
Ovarian cancer. Also called: OVARIAN CANCER, SOMATIC. Identifiers: Orphanet 213500, MedGen C1140680, MONDO:0008170, OMIM 167000.
Familial cancer of breast. Also called: BREAST CANCER, FAMILIAL; hereditary breast carcinoma; Hereditary breast cancer. Identifiers: Orphanet 227535, MedGen C0346153, MONDO:0016419, OMIM 114480. Disease mechanism: loss of function.
Ataxia-telangiectasia syndrome (AT). Also called: Ataxia-telangiectasia, complementation group D; AT, COMPLEMENTATION GROUP C; Ataxia-telangiectasia; ATAXIA-TELANGIECTASIA, COMPLEMENTATION GROUP A; ATAXIA-TELANGIECTASIA, FRESNO VARIANT; Ataxia-telangiectasia, complementation group E. Identifiers: Orphanet 100, MedGen C0004135, MONDO:0008840, OMIM 208900.

Allele frequency attached by ClinVar (database versions not stated): gnomAD exomes 0.00005 and 0.00006; gnomAD 0.00031 and 0.00027; 1000 Genomes Project 30x 0.00047; ExAC 0.00004; TOPMed 0.00080; 1000 Genomes Project 0.00060.
gnomAD v4.1: 134 of 1,614,098 alleles (0.0083%); highest among the groups gnomAD compares: Admixed American, 0.09%; no homozygotes.

Submissions (16):

Labcorp Genetics (formerly Invitae), Labcorp
Classification: Benign for Ataxia-telangiectasia syndrome. Last evaluated: 2026-02-03. Review status: criteria provided, single submitter. Criteria: Invitae Variant Classification Sherloc (09022015). Collection method: clinical testing. Allele origin: germline.

Mayo Clinic Laboratories, Mayo Clinic
Classification: Uncertain significance. Last evaluated: 2025-10-13. Review status: criteria provided, single submitter. Criteria: ACMG Guidelines, 2015. Collection method: clinical testing. Allele origin: germline. Observed: 2 variant alleles.
Comment: BS3_supporting

CeGaT Center for Human Genetics Tuebingen
Classification: Likely benign. Last evaluated: 2025-08-01. Review status: criteria provided, single submitter. Criteria: CeGaT Center For Human Genetics Tuebingen Variant Classification Criteria Version 2. Collection method: clinical testing. Allele origin: germline. Affected: yes. Observed: 2 variant alleles.
Comment: ATM: BP1, BP4, BS1

Athena Diagnostics
Classification: Uncertain significance. Last evaluated: 2025-06-25. Review status: criteria provided, single submitter. Criteria: Athena Diagnostics Criteria. Collection method: clinical testing. Allele origin: unknown.
Comment: Available data are insufficient to determine the clinical significance of the variant at this time. The frequency of this variant in the general population is uninformative in assessment of its pathogenicity. (Genome Aggregation Database (gnomAD), Cambridge, MA (URL)) In multiple individuals, this variant has been seen where an alternate explanation for disease was also identified, suggesting this variant is unlikely to cause disease. Polyphen and MutationTaster predict this amino acid change may be benign.

Quest Diagnostics Nichols Institute San Juan Capistrano
Classification: Uncertain significance. Last evaluated: 2025-06-25. Review status: criteria provided, single submitter. Criteria: Quest Diagnostics criteria. Collection method: clinical testing. Allele origin: unknown.
Comment: The ATM c.7740A>C (p.Arg2580Ser) variant has been reported in the published literature in individuals affected with breast cancer (PMID: 35534704 (2022), 35264596 (2022), 32936981 (2021), 32658311 (2021), 32039725 (2020), 31159747 (2019), 31780696 (2019), 26976419 (2016)), ovarian cancer (PMID: 26689913 (2015)), and prostate cancer (PMID: 31214711 (2020)). Additionally, this variant has been observed in reportedly unaffected individuals (PMID: 32658311 (2021), 28652578 (2017)). The frequency of this variant in the general population (Genome Aggregation Database) is uninformative in the assessment of its pathogenicity. Analysis of this variant using bioinformatics tools for the prediction of the effect of amino acid changes on protein structure and function yielded predictions that this variant is benign. Based on the available information, we are unable to determine the clinical significance of this variant.

Women's Health and Genetics/Laboratory Corporation of America, LabCorp
Classification: Uncertain significance. Last evaluated: 2025-05-16. Review status: criteria provided, single submitter. Criteria: LabCorp Variant Classification Summary - May 2015. Collection method: clinical testing. Allele origin: germline.
Comment: Variant summary: ATM c.7740A>C (p.Arg2580Ser) results in a non-conservative amino acid change in the encoded protein sequence. Algorithms developed to predict the effect of missense changes on protein structure and function are either unavailable or do not agree on the potential impact of this missense change. The variant allele was found at a frequency of 8.3e-05 in 1614098 control chromosomes, predominantly at a frequency of 0.0009 within the Latino subpopulation in the gnomAD database. This frequency is not significantly higher than estimated for a pathogenic variant in ATM causing Breast Cancer (8.3e-05 vs 0.001), allowing no conclusion about variant significance. c.7740A>C has been reported in the literature in individuals affected with breast cancer, ovarian cancer and Chronic Lymphocytic Leukemia patients (Tung_2016, Lu_2015, Tiao_2017, Dutil_2019, Tsaousis_2019, Da Costa_2020). These report(s) do not provide unequivocal conclusions about association of the variant with Breast Cancer. To our knowledge, no experimental evidence demonstrating an impact on protein function has been reported. The following publications have been ascertained in the context of this evaluation (PMID: 26689913, 26787654, 26976419, 28652578, 31159747, 32039725, 31780696). ClinVar contains an entry for this variant (Variation ID: 127448). Based on the evidence outlined above, the variant was classified as uncertain significance.

Color Diagnostics, LLC DBA Color Health
Classification: Likely benign for Hereditary cancer-predisposing syndrome. Last evaluated: 2024-10-11. Review status: criteria provided, single submitter. Criteria: ACMG Guidelines, 2015. Collection method: clinical testing. Allele origin: germline.

Myriad Genetics, Inc.
Classification: Likely benign for Familial cancer of breast. Last evaluated: 2024-06-17. Review status: criteria provided, single submitter. Criteria: Myriad Autosomal Dominant, Autosomal Recessive and X-Linked Classification Criteria (2023). Collection method: clinical testing. Allele origin: unknown.
Comment: This variant is considered likely benign. This variant is strongly associated with less severe personal and family histories of cancer, typical for individuals without pathogenic variants in this gene [PMID: 25085752].

Sema4
Classification: Uncertain significance for Hereditary cancer-predisposing syndrome. Last evaluated: 2022-03-16. Review status: criteria provided, single submitter. Criteria: Sema4 Curation Guidelines. Collection method: curation. Allele origin: germline.
Comment: The ATM c.7740A>C (p.R2580S) variant has been reported in heterozygosity in several individuals with breast cancer (PMID: 26976419, 31780696, 31159747, 32039725, 33471991, 32039725, 32936981). It was observed in 8/35436 chromosomes of the Latino subpopulation in the large and broad cohorts of the Genome Aggregation Database (PMID: 32461654). This variant has been reported in ClinVar (Variation ID 127448). Functional studies have not been performed, and in silico predictions of the variant's effect on protein function are inconclusive. The evidence is insufficient to meet ACMG/AMP criteria for classifying the variant as benign or pathogenic. Thus, the clinical significance of this variant is currently uncertain.

Laboratory of Molecular Epidemiology of Birth Defects, West China Second University Hospital, Sichuan University
Classification: Benign for Ovarian cancer. Last evaluated: 2022-01-01. Review status: criteria provided, single submitter. Criteria: ACMG Guidelines, 2015. Collection method: clinical testing. Allele origin: germline. Affected: yes.

GeneDx
Classification: Uncertain significance. Last evaluated: 2019-01-08. Review status: criteria provided, single submitter. Criteria: GeneDx Variant Classification (06012015). Collection method: clinical testing. Allele origin: germline. Affected: yes.
Comment: This variant is denoted ATM c.7740A>C at the cDNA level, p.Arg2580Ser (R2580S) at the protein level, and results in the change of an Arginine to a Serine (AGA>AGC). This variant has been observed in individuals with breast or ovarian cancer (Lu 2015, Tung 2016). ATM Arg2580Ser was observed at an allele frequency of 0.03% (11/34,414) in individuals of Latino ancestry in large population cohorts (Lek 2016). This variant is not located in a known functional domain. In silico analysis, which includes protein predictors and evolutionary conservation, supports that this variant does not alter protein structure/function. Based on currently available evidence, it is unclear whether ATM Arg2580Ser is a pathogenic or benign variant. We consider it to be a variant of uncertain significance.

Ambry Genetics
Classification: Likely benign for Hereditary cancer-predisposing syndrome. Last evaluated: 2018-08-16. Review status: criteria provided, single submitter. Criteria: Ambry Variant Classification Scheme 2023. Collection method: clinical testing. Allele origin: germline.

GeneKor MSA
Classification: Uncertain significance for Hereditary cancer-predisposing syndrome. Last evaluated: 2018-08-01. Review status: criteria provided, single submitter. Criteria: ACMG Guidelines, 2015. Collection method: clinical testing. Allele origin: germline. Affected: yes.

Mendelics
Classification: Uncertain significance for Ataxia-telangiectasia syndrome. Last evaluated: 2018-07-02. Review status: criteria provided, single submitter. Criteria: Mendelics Assertion Criteria 2017. Collection method: clinical testing. Allele origin: unknown.

PreventionGenetics, part of Exact Sciences
Classification: Likely benign for ATM-related condition. Last evaluated: 2024-03-06. Review status: no assertion criteria provided. Collection method: clinical testing. Allele origin: germline. Not counted in ClinVar's aggregate classification.
Comment: This variant is classified as likely benign based on ACMG/AMP sequence variant interpretation guidelines (Richards et al. 2015 PMID: 25741868, with internal and published modifications).

Institute for Biomarker Research, Medical Diagnostic Laboratories, L.L.C.
Classification: Uncertain significance for Hereditary cancer-predisposing syndrome. Last evaluated: 2021-11-23. Review status: no assertion criteria provided. Collection method: clinical testing. Allele origin: germline. Not counted in ClinVar's aggregate classification.

Literature cited by the submitters: PubMed 29317520 (cited by 3 submitters); PubMed 36018153 (cited by 3 submitters); PubMed 40105422 (cited by Mayo Clinic Laboratories, Mayo Clinic); PubMed 31159747 (cited by 4 submitters); PubMed 28652578 (cited by 3 submitters); PubMed 32039725 (cited by 4 submitters); PubMed 31780696 (cited by 4 submitters); PubMed 32936981 (cited by 3 submitters); PubMed 35534704 (cited by Athena Diagnostics and Quest Diagnostics Nichols Institute San Juan Capistrano); PubMed 26976419 (cited by 4 submitters); PubMed 26689913 (cited by 3 submitters); PubMed 33471991 (cited by 3 submitters); PubMed 31214711 (cited by Athena Diagnostics and Quest Diagnostics Nichols Institute San Juan Capistrano); PubMed 35264596 (cited by Athena Diagnostics and Quest Diagnostics Nichols Institute San Juan Capistrano); PubMed 32658311 (cited by Athena Diagnostics and Quest Diagnostics Nichols Institute San Juan Capistrano); PubMed 31206626 (cited by Athena Diagnostics and Quest Diagnostics Nichols Institute San Juan Capistrano); PubMed 30311369 (cited by Athena Diagnostics and Quest Diagnostics Nichols Institute San Juan Capistrano); PubMed 33395407 (cited by Athena Diagnostics and Quest Diagnostics Nichols Institute San Juan Capistrano); PubMed 26787654 (cited by 3 submitters); PubMed 25085752 (cited by Myriad Genetics, Inc.).